The following is an entry in ClinVar:

NM_000525.4(KCNJ11):c.279dup (p.Ala94fs)

Gene: KCNJ11 (potassium inwardly rectifying channel subfamily J member 11; minus strand). Cytogenetic location: 11p15.1.
Variant type: Duplication.
Coding change: c.279dup on transcript NM_000525.4 (MANE Select); coding-DNA position 279, one base duplicated (C; older notation c.279dupC).
Protein change: p.Ala94fs; shifts the reading frame from alanine 94.
Molecular consequence: frameshift variant.
Genome position (GRCh38, 1-based): chr11:17,387,813, G duplicated on the plus strand (C on the coding strand, the reverse complement: KCNJ11 is on the minus strand). VCF-style (leftmost placement, unchanged base first): chr11-17387812-C-CG. GRCh37 (hg19) VCF-style: chr11-17409359-C-CG.
Other names: c.18dup, p.Ala7fs (NM_001166290.2, NM_001377296.1, NM_001377297.1); short protein forms A7fs, A94fs.
Identifiers: ClinVar variation 2768880 (VCV002768880.3), dbSNP rs2496411535, ClinGen allele CA2574767941.
Genomic context (GRCh38, chr11:17,387,812, plus strand): 5'-TGCTGGTGACACAGGGCTCAGCAGTGCCCTCGCTGGGGGCCAGGTCACCGTGGGCGAAGG[C>CG]GATGAGCCACCAGGCCATGGCGAAGAGCAGCCAGCTGCACAGGAAGGACATGGTGAAGAT-3'

ClinVar aggregate classification (germline): Pathogenic (1 of 4 stars; one submission).

Submission:

Labcorp Genetics (formerly Invitae), Labcorp
Classification: Pathogenic. Last evaluated: 2023-10-15. Review status: criteria provided, single submitter. Criteria: Invitae Variant Classification Sherloc (09022015). Collection method: clinical testing. Allele origin: germline.
Comment: This sequence change creates a premature translational stop signal (p.Ala94Argfs*6) in the KCNJ11 gene. While this is not anticipated to result in nonsense mediated decay, it is expected to disrupt the last 297 amino acid(s) of the KCNJ11 protein. This variant is not present in population databases (gnomAD no frequency). This variant has not been reported in the literature in individuals affected with KCNJ11-related conditions. This variant disrupts a region of the KCNJ11 protein in which other variant(s) (p.Arg301His) have been determined to be pathogenic (PMID: 14715863, 15562009, 23275527, 23345197). This suggests that this is a clinically significant region of the protein, and that variants that disrupt it are likely to be disease-causing. For these reasons, this variant has been classified as Pathogenic.

Literature cited by the submitters: PubMed 14715863; PubMed 15562009; PubMed 23275527; PubMed 23345197.